The following is an entry in ClinVar:

NM_006231.4(POLE):c.4945A>G (p.Met1649Val)

Gene: POLE (DNA polymerase epsilon, catalytic subunit; minus strand). Cytogenetic location: 12q24.33.
Variant type: single nucleotide variant.
Coding change: c.4945A>G on transcript NM_006231.4 (MANE Select); coding-DNA position 4945, A replaced by G.
Protein change: p.Met1649Val; replaces methionine 1649 with valine.
Molecular consequence: missense variant.
Genome position (GRCh38, 1-based): chr12:132,642,513, T>C on the plus strand (A>G on the coding strand, the complement: POLE is on the minus strand). VCF-style: chr12-132642513-T-C. GRCh37 (hg19) VCF-style: chr12-133219099-T-C.
Other names: short protein forms M1649V.
Identifiers: ClinVar variation 584832 (VCV000584832.10), dbSNP rs1565937350, ClinGen allele CA387377830.
Genomic context (GRCh38, chr12:132,642,513, plus strand): 5'-GAGGCCGGCTCTGCCTGGGGACCACTGGCCCACAACGACAGTACTGTGCTCACCTGCTCA[T>C]CTCGAAGGCCTGCGACAGGCAGGTGTCCAGGTTGAGGTAGTGACGGATCATGCGCCGGGC-3'
Protein context (NP_006222.2, residues 1639-1659): LDTCLSQAFE[Met1649Val]SRYFHIPIGN

ClinVar aggregate classification (germline): Uncertain significance. Review status: criteria provided, multiple submitters, no conflicts (2 of 4 stars). 2 submissions from 2 submitters: Uncertain significance (2). Last evaluated 2025-11-17.

Conditions:
Familial colorectal cancer. Identifiers: MedGen CN280943, MONDO:0023113. Disease mechanism: loss of function.

Allele frequency attached by ClinVar (database versions not stated): gnomAD exomes below 0.00001.

Submissions (2):

Labcorp Genetics (formerly Invitae), Labcorp
Classification: Uncertain significance. Last evaluated: 2025-11-17. Review status: criteria provided, single submitter. Criteria: Invitae Variant Classification Sherloc (09022015). Collection method: clinical testing. Allele origin: germline.
Comment: This sequence change replaces methionine, which is neutral and non-polar, with valine, which is neutral and non-polar, at codon 1649 of the POLE protein (p.Met1649Val). This variant is not present in population databases (gnomAD no frequency). This missense change has been observed in individual(s) with breast cancer (PMID: 35264596). ClinVar contains an entry for this variant (Variation ID: 584832). Invitae Evidence Modeling of protein sequence and biophysical properties (such as structural, functional, and spatial information, amino acid conservation, physicochemical variation, residue mobility, and thermodynamic stability) indicates that this missense variant is not expected to disrupt POLE protein function with a negative predictive value of 80%. Algorithms developed to predict the effect of sequence changes on RNA splicing suggest that this variant may create or strengthen a splice site. In summary, the available evidence is currently insufficient to determine the role of this variant in disease. Therefore, it has been classified as a Variant of Uncertain Significance.

Mendelics
Classification: Uncertain significance for Familial colorectal cancer. Last evaluated: 2018-07-02. Review status: criteria provided, single submitter. Criteria: Mendelics Assertion Criteria 2017. Collection method: clinical testing. Allele origin: unknown.

Literature cited by the submitters: PubMed 35264596 (cited by Labcorp Genetics (formerly Invitae), Labcorp).